The following is an entry in ClinVar:

ClinVar aggregate classification (germline): Uncertain significance (1 of 4 stars; one submission).

Conditions:
Charcot-Marie-Tooth disease axonal type 2F (CMT2F). Also called: CHARCOT-MARIE-TOOTH DISEASE, NEURONAL, TYPE 2F; Charcot-Marie-Tooth Neuropathy Type 2F. Identifiers: Orphanet 99940, MedGen C1847823, MONDO:0011687, OMIM 606595.

gnomAD v4.1: 5 of 1,551,376 alleles (0.00032%); highest among the groups gnomAD compares: Admixed American, 0.0019%; no homozygotes.

Submission:

Labcorp Genetics (formerly Invitae), Labcorp
Classification: Uncertain significance for Charcot-Marie-Tooth disease axonal type 2F. Last evaluated: 2024-09-18. Review status: criteria provided, single submitter. Criteria: Invitae Variant Classification Sherloc (09022015). Collection method: clinical testing. Allele origin: germline.
Comment: This sequence change replaces glutamic acid, which is acidic and polar, with lysine, which is basic and polar, at codon 64 of the HSPB1 protein (p.Glu64Lys). This variant is not present in population databases (gnomAD no frequency). This variant has not been reported in the literature in individuals affected with HSPB1-related conditions. ClinVar contains an entry for this variant (Variation ID: 947808). Invitae Evidence Modeling of protein sequence and biophysical properties (such as structural, functional, and spatial information, amino acid conservation, physicochemical variation, residue mobility, and thermodynamic stability) indicates that this missense variant is not expected to disrupt HSPB1 protein function with a negative predictive value of 95%. In summary, the available evidence is currently insufficient to determine the role of this variant in disease. Therefore, it has been classified as a Variant of Uncertain Significance.

NM_001540.5(HSPB1):c.190G>A (p.Glu64Lys)

Gene: HSPB1 (heat shock protein family B (small) member 1; plus strand). Cytogenetic location: 7q11.23.
Variant type: single nucleotide variant.
Coding change: c.190G>A on transcript NM_001540.5 (MANE Select); coding-DNA position 190, G replaced by A.
Protein change: p.Glu64Lys; replaces glutamic acid 64 with lysine.
Molecular consequence: missense variant.
Genome position (GRCh38, 1-based): chr7:76,302,902, G>A. VCF-style: chr7-76302902-G-A. GRCh37 (hg19) VCF-style: chr7-75932219-G-A.
Other names: short protein forms E64K.
Identifiers: ClinVar variation 947808 (VCV000947808.9), dbSNP rs1803023708, ClinGen allele CA367763077.
Genomic context (GRCh38, chr7:76,302,902, plus strand): 5'-CAGTGGTTAGGCGGCAGCAGCTGGCCAGGCTACGTGCGCCCCCTGCCCCCCGCCGCCATC[G>A]AGAGCCCCGCAGTGGCCGCGCCCGCCTACAGCCGCGCGCTCAGCCGGCAACTCAGCAGCG-3'
Protein context (NP_001531.1, residues 54-74): YVRPLPPAAI[Glu64Lys]SPAVAAPAYS